The following is an entry in ClinVar:

NM_000404.4(GLB1):c.1354del (p.Gln452fs)

Gene: GLB1 (galactosidase beta 1; minus strand). Cytogenetic location: 3p22.3.
Variant type: Deletion.
Coding change: c.1354del on transcript NM_000404.4 (MANE Select); coding-DNA position 1354, one base deleted (C; older notation c.1354delC).
Protein change: p.Gln452fs; shifts the reading frame from glutamine 452.
Molecular consequence: frameshift variant.
Genome position (GRCh38, 1-based): chr3:33,016,834, G deleted on the plus strand (C on the coding strand, the reverse complement: GLB1 is on the minus strand); the first of 5 consecutive G bases (chr3:33,016,834-33,016,838); deleting any one gives the same sequence. VCF-style (leftmost placement, unchanged base first): chr3-33016833-TG-T. GRCh37 (hg19) VCF-style: chr3-33058325-TG-T.
Other names: c.1264del, p.Gln422fs (NM_001079811.3); c.961del, p.Gln321fs (NM_001135602.3); c.1498del, p.Gln500fs (NM_001317040.2); c.1354del, p.Gln452fs (NM_001393580.1); short protein forms Q321fs, Q422fs, Q452fs, Q500fs.
Identifiers: ClinVar variation 5012366 (VCV005012366.1).

ClinVar aggregate classification (germline): Pathogenic (1 of 4 stars; one submission).

Conditions:
GLB1-related disorder. Also called: GLB1-related disorders. Identifiers: MedGen CN377807.

Submission:

Myriad Genetics, Inc.
Classification: Pathogenic for GLB1-related disorder. Last evaluated: 2023-10-05. Review status: criteria provided, single submitter. Criteria: Myriad Autosomal Dominant, Autosomal Recessive and X-Linked Classification Criteria (2023). Collection method: clinical testing. Allele origin: unknown.
Comment: NM_000404.2(GLB1):c.1354delC(Q452Rfs*9) is expected to be pathogenic in the context of GLB1-related disorders. This variant is predicted to lead to an abnormal or absent protein product due to the creation of a premature termination codon in GLB1, a gene where loss-of-function variants are known to be pathogenic. Please note: this variant was assessed in the context of healthy population screening.